The following is an entry in ClinVar:

NM_012309.5(SHANK2):c.1401C>T (p.Tyr467=)

Gene: SHANK2 (SH3 and multiple ankyrin repeat domains 2; minus strand). Cytogenetic location: 11q13.4.
Variant type: single nucleotide variant.
Coding change: c.1401C>T on transcript NM_012309.5 (MANE Select); coding-DNA position 1401, C replaced by T.
Protein change: p.Tyr467=; no amino-acid change (tyrosine 467 retained).
Molecular consequence: synonymous variant.
Genome position (GRCh38, 1-based): chr11:70,820,456, G>A on the plus strand (C>T on the coding strand, the complement: SHANK2 is on the minus strand). VCF-style: chr11-70820456-G-A. GRCh37 (hg19) VCF-style: chr11-70666561-G-A.
Other names: c.264C>T, p.Tyr88= (NM_001379226.1).
Identifiers: ClinVar variation 677032 (VCV000677032.1), dbSNP rs782545722, ClinGen allele CA6161833.

ClinVar aggregate classification (germline): Likely benign (1 of 4 stars; one submission).

Allele frequency attached by ClinVar (database versions not stated): gnomAD exomes 0.00005; ExAC 0.00017; gnomAD 0.00001; TOPMed 0.00004.
gnomAD v4.1: 19 of 714,756 alleles (0.0027%); highest among the groups gnomAD compares: South Asian, 0.0074%; no homozygotes.

Submission:

GeneDx
Classification: Likely benign. Last evaluated: 2016-01-14. Review status: criteria provided, single submitter. Criteria: GeneDx Variant Classification (06012015). Collection method: clinical testing. Allele origin: germline. Affected: yes.
Comment: This variant is considered likely benign or benign based on one or more of the following criteria: it is a conservative change, it occurs at a poorly conserved position in the protein, it is predicted to be benign by multiple in silico algorithms, and/or has population frequency not consistent with disease.